The following is an entry in ClinVar:

ClinVar aggregate classification (germline): Uncertain significance (1 of 4 stars; one submission).

gnomAD v4.1: 1 of 1,208,405 alleles (0.000083%); highest among the groups gnomAD compares: Non-Finnish European, 0.00011%; no homozygotes.

Submission:

GeneDx
Classification: Uncertain significance. Last evaluated: 2026-02-08. Review status: criteria provided, single submitter. Criteria: GeneDx Variant Classification Process June 2021. Collection method: clinical testing. Allele origin: germline.
Comment: Not observed at significant frequency in large population cohorts (gnomAD); In silico analysis supports that this missense variant has a deleterious effect on protein structure/function; Has not been previously published as pathogenic or benign to our knowledge

NM_006950.3(SYN1):c.773T>C (p.Met258Thr)

Gene: SYN1 (synapsin I; minus strand). Cytogenetic location: Xp11.23.
Variant type: single nucleotide variant.
Coding change: c.773T>C on transcript NM_006950.3 (MANE Select); coding-DNA position 773, T replaced by C.
Protein change: p.Met258Thr; replaces methionine 258 with threonine.
Molecular consequence: missense variant.
Genome position (GRCh38, 1-based): chrX:47,604,979, A>G on the plus strand (T>C on the coding strand, the complement: SYN1 is on the minus strand). VCF-style: chrX-47604979-A-G. GRCh37 (hg19) VCF-style: chrX-47464378-A-G.
Other names: c.773T>C, p.Met258Thr (NM_133499.2); short protein forms M258T.
Identifiers: ClinVar variation 4976435 (VCV004976435.1).